The following is an entry in ClinVar:

ClinVar aggregate classification (germline): Uncertain significance. Review status: criteria provided, multiple submitters, no conflicts (2 of 4 stars). 2 submissions from 2 submitters: Uncertain significance (2). Last evaluated 2024-04-05.

gnomAD v4.1: 42 of 1,613,392 alleles (0.0026%); highest among the groups gnomAD compares: South Asian, 0.012%; no homozygotes.

Submissions (2):

Blueprint Genetics
Classification: Uncertain significance. Last evaluated: 2024-04-05. Review status: criteria provided, single submitter. Criteria: ACMG Guidelines, 2015. Collection method: clinical testing. Allele origin: germline.

GeneDx
Classification: Uncertain significance. Last evaluated: 2023-12-18. Review status: criteria provided, single submitter. Criteria: GeneDx Variant Classification Process June 2021. Collection method: clinical testing. Allele origin: germline. Affected: yes.
Comment: In silico analysis supports that this missense variant does not alter protein structure/function; Has not been previously published as pathogenic or benign to our knowledge

NM_018082.6(POLR3B):c.3314G>A (p.Arg1105His)

Genes: POLR3B (RNA polymerase III subunit B; plus strand), RFX4-AS1 (RFX4 antisense RNA 1; minus strand). Cytogenetic location: 12q23.3.
Variant type: single nucleotide variant.
Coding change: c.3314G>A on transcript NM_018082.6 (MANE Select); coding-DNA position 3314, G replaced by A.
Protein change: p.Arg1105His; replaces arginine 1105 with histidine.
Molecular consequence: missense variant.
Genome position (GRCh38, 1-based): chr12:106,509,461, G>A. VCF-style: chr12-106509461-G-A. GRCh37 (hg19) VCF-style: chr12-106903239-G-A.
Other names: c.3140G>A, p.Arg1047His (NM_001160708.2); short protein forms R1047H, R1105H.
Identifiers: ClinVar variation 3365703 (VCV003365703.2).